The following is an entry in ClinVar:

NM_001032283.3(TMPO):c.137C>G (p.Thr46Arg)

Genes: TMPO (thymopoietin; plus strand), TMPO-AS1 (TMPO antisense RNA 1; minus strand). Cytogenetic location: 12q23.1.
Variant type: single nucleotide variant.
Coding change: c.137C>G on transcript NM_001032283.3 (MANE Select); coding-DNA position 137, C replaced by G.
Protein change: p.Thr46Arg; replaces threonine 46 with arginine.
Molecular consequence: missense variant. On other transcripts: non-coding transcript variant (1).
Genome position (GRCh38, 1-based): chr12:98,516,004, C>G. VCF-style: chr12-98516004-C-G. GRCh37 (hg19) VCF-style: chr12-98909782-C-G.
Other names: c.137C>G, p.Thr46Arg (NM_001032284.3, NM_001307975.2, NM_003276.2); short protein forms T46R.
Identifiers: ClinVar variation 1435978 (VCV001435978.7), dbSNP rs776416936, ClinGen allele CA6732109.

ClinVar aggregate classification (germline): Uncertain significance. Review status: criteria provided, multiple submitters, no conflicts (2 of 4 stars). 2 submissions from 2 submitters: Uncertain significance (2). Last evaluated 2025-10-27.

Conditions:
Loeys-Dietz syndrome 2 (LDS2). Also called: Marfan syndrome, type 2 (formerly); AORTIC ANEURYSM, FAMILIAL THORACIC 3; MARFAN SYNDROME, TYPE II; TGFBR2-Related Loeys-Dietz Syndrome; Marfan Syndrome type 2; Marfan like connective tissue disorder. Identifiers: Orphanet 284973, Orphanet 558, MedGen C2674574, MONDO:0012427, OMIM 610168.

gnomAD v4.1: 4 of 1,611,332 alleles (0.00025%); highest among the groups gnomAD compares: Admixed American, 0.0033%; no homozygotes.

Submissions (2):

Ambry Genetics
Classification: Uncertain significance. Last evaluated: 2025-10-27. Review status: criteria provided, single submitter. Criteria: Ambry Variant Classification Scheme 2023. Collection method: clinical testing. Allele origin: germline.
Comment: The p.T46R variant (also known as c.137C>G), located in coding exon 1 of the TMPO gene, results from a C to G substitution at nucleotide position 137. The threonine at codon 46 is replaced by arginine, an amino acid with similar properties. This amino acid position is conserved. In addition, the in silico prediction for this alteration is inconclusive. Based on the available evidence, the clinical significance of this variant remains unclear.

Labcorp Genetics (formerly Invitae), Labcorp
Classification: Uncertain significance for Loeys-Dietz syndrome 2. Last evaluated: 2024-07-16. Review status: criteria provided, single submitter. Criteria: Invitae Variant Classification Sherloc (09022015). Collection method: clinical testing. Allele origin: germline.
Comment: This sequence change replaces threonine, which is neutral and polar, with arginine, which is basic and polar, at codon 46 of the TMPO protein (p.Thr46Arg). This variant is present in population databases (rs776416936, gnomAD 0.006%). This variant has not been reported in the literature in individuals affected with TMPO-related conditions. ClinVar contains an entry for this variant (Variation ID: 1435978). An algorithm developed to predict the effect of missense changes on protein structure and function (PolyPhen-2) suggests that this variant is likely to be disruptive. In summary, the available evidence is currently insufficient to determine the role of this variant in disease. Therefore, it has been classified as a Variant of Uncertain Significance.